The following is an entry in ClinVar:

NM_015346.4(ZFYVE26):c.684C>T (p.Pro228=)

Gene: ZFYVE26 (zinc finger FYVE-type containing 26; minus strand). Cytogenetic location: 14q24.1.
Variant type: single nucleotide variant.
Coding change: c.684C>T on transcript NM_015346.4 (MANE Select); coding-DNA position 684, C replaced by T.
Protein change: p.Pro228=; no amino-acid change (proline 228 retained).
Molecular consequence: synonymous variant.
Genome position (GRCh38, 1-based): chr14:67,807,600, G>A on the plus strand (C>T on the coding strand, the complement: ZFYVE26 is on the minus strand). VCF-style: chr14-67807600-G-A. GRCh37 (hg19) VCF-style: chr14-68274317-G-A.
Identifiers: ClinVar variation 509134 (VCV000509134.16), dbSNP rs369761894, ClinGen allele CA7240730.

ClinVar aggregate classification (germline): Conflicting classifications of pathogenicity. Review status: criteria provided, conflicting classifications (1 of 4 stars). 4 submissions from 4 submitters: Uncertain significance (1); Likely benign (3). Last evaluated 2025-09-24.

Conditions:
Spastic paraplegia. Identifiers: MedGen C0037772, HP:0001258.
Hereditary spastic paraplegia 15 (SPG15). Also called: SPASTIC PARAPLEGIA AND RETINAL DEGENERATION; SPASTIC PARAPLEGIA 15, AUTOSOMAL RECESSIVE; KJELLIN SYNDROME. Identifiers: Orphanet 100996, MedGen C1849128, MONDO:0010044, OMIM 270700.

Allele frequency attached by ClinVar (database versions not stated): TOPMed 0.00003; gnomAD exomes 0.00004 and 0.00011; ExAC 0.00007; ESP Exome Variant Server 0.00008; gnomAD 0.00008.
gnomAD v4.1: 182 of 1,614,092 alleles (0.011%); highest among the groups gnomAD compares: Non-Finnish European, 0.014%; no homozygotes.

Submissions (4):

Labcorp Genetics (formerly Invitae), Labcorp
Classification: Likely benign for Spastic paraplegia. Last evaluated: 2025-09-24. Review status: criteria provided, single submitter. Criteria: Invitae Variant Classification Sherloc (09022015). Collection method: clinical testing. Allele origin: germline.

Blueprint Genetics
Classification: Likely benign. Last evaluated: 2024-04-02. Review status: criteria provided, single submitter. Criteria: ACMG Guidelines, 2015. Collection method: clinical testing. Allele origin: germline.

Illumina Laboratory Services, Illumina
Classification: Uncertain significance for Hereditary spastic paraplegia 15. Last evaluated: 2018-01-13. Review status: criteria provided, single submitter. Criteria: ICSL Variant Classification Criteria 13 December 2019. Collection method: clinical testing. Allele origin: germline.

GeneDx
Classification: Likely benign. Last evaluated: 2017-04-25. Review status: criteria provided, single submitter. Criteria: GeneDx Variant Classification (06012015). Collection method: clinical testing. Allele origin: germline. Affected: yes.
Comment: This variant is considered likely benign or benign based on one or more of the following criteria: it is a conservative change, it occurs at a poorly conserved position in the protein, it is predicted to be benign by multiple in silico algorithms, and/or has population frequency not consistent with disease.